The following is an entry in ClinVar:

NM_001148.6(ANK2):c.4555G>T (p.Ala1519Ser)

Gene: ANK2 (ankyrin 2; plus strand). Cytogenetic location: 4q26.
Variant type: single nucleotide variant.
Coding change: c.4555G>T on transcript NM_001148.6 (MANE Select); coding-DNA position 4555, G replaced by T.
Protein change: p.Ala1519Ser; replaces alanine 1519 with serine.
Molecular consequence: missense variant. On other transcripts: intron variant (68).
Genome position (GRCh38, 1-based): chr4:113,353,173, G>T. VCF-style: chr4-113353173-G-T. GRCh37 (hg19) VCF-style: chr4-114274329-G-T.
Other names: c.4321G>T, p.Ala1441Ser (NM_001386142.1); c.955G>T, p.Ala319Ser (NM_001386166.1); c.4696G>T, p.Ala1566Ser (NM_001386174.1); c.4672G>T, p.Ala1558Ser (NM_001386175.1); c.4411+2924G>T (NM_001386186.2, NM_001386148.2); c.4213+2924G>T (NM_001354269.3); c.4291+2924G>T (NM_001386187.2); c.4252+2924G>T (NM_001386147.1); and 35 more; short protein forms A1519S, A1441S, A1558S, A1566S, A319S.
Identifiers: ClinVar variation 191534 (VCV000191534.10), dbSNP rs200920714, ClinGen allele CA236926.
Genomic context (GRCh38, chr4:113,353,173, plus strand): 5'-GCAAGTCCGGACTTGCTCTCTGAAGTTTCTGAGATGAAACAAGATTTGATCAAAATGACC[G>T]CCATCTTGACCACAGATGTGTCTGATAAGGCAGGTTCTATTAAAGTGAAGGAGCTGGTGA-3'
Protein context (NP_001139.3, residues 1509-1529): EMKQDLIKMT[Ala1519Ser]ILTTDVSDKA

ClinVar aggregate classification (germline): Conflicting classifications of pathogenicity. Review status: criteria provided, conflicting classifications (1 of 4 stars). 4 submissions from 4 submitters: Uncertain significance (2); Likely benign (2). Last evaluated 2025-02-04.

Conditions:
Cardiovascular phenotype. Identifiers: MedGen CN230736.
Long QT syndrome (LQTS). Identifiers: MedGen C0023976, MeSH D008133, MONDO:0002442. Disease mechanism: loss of function. Inheritance: Various modes of inheritance.

Allele frequency attached by ClinVar (database versions not stated): TOPMed 0.00002; ESP Exome Variant Server 0.00015.
gnomAD v4.1: 45 of 1,613,892 alleles (0.0028%); highest among the groups gnomAD compares: South Asian, 0.0033%; no homozygotes.

Submissions (4):

Labcorp Genetics (formerly Invitae), Labcorp
Classification: Uncertain significance for Long QT syndrome. Last evaluated: 2025-02-04. Review status: criteria provided, single submitter. Criteria: Invitae Variant Classification Sherloc (09022015). Collection method: clinical testing. Allele origin: germline.
Comment: This sequence change replaces alanine, which is neutral and non-polar, with serine, which is neutral and polar, at codon 1519 of the ANK2 protein (p.Ala1519Ser). This variant is present in population databases (rs200920714, gnomAD 0.009%). This variant has not been reported in the literature in individuals affected with ANK2-related conditions. ClinVar contains an entry for this variant (Variation ID: 191534). An algorithm developed to predict the effect of missense changes on protein structure and function (PolyPhen-2) suggests that this variant is likely to be disruptive. In summary, the available evidence is currently insufficient to determine the role of this variant in disease. Therefore, it has been classified as a Variant of Uncertain Significance.

GeneDx
Classification: Uncertain significance. Last evaluated: 2023-03-13. Review status: criteria provided, single submitter. Criteria: GeneDx Variant Classification Process June 2021. Collection method: clinical testing. Allele origin: germline. Affected: yes.
Comment: Not observed at significant frequency in large population cohorts (gnomAD); In silico analysis supports that this missense variant does not alter protein structure/function; Has not been previously published as pathogenic or benign to our knowledge; Located in exon 38, which is reported as being expressed in a brain-specific transcript (Otto et al, 1991; Cunha et al, 2008; Wu et al, 2015)

Ambry Genetics
Classification: Likely benign for Cardiovascular phenotype. Last evaluated: 2021-06-23. Review status: criteria provided, single submitter. Criteria: Ambry Variant Classification Scheme 2023. Collection method: clinical testing. Allele origin: germline.

Biesecker Lab/Clinical Genomics Section, National Institutes of Health
Classification: Likely benign. Last evaluated: 2013-06-24. Review status: criteria provided, single submitter. Criteria: Ng et al. (Circ Cardiovasc Genet. 2013). Collection method: research. Allele origin: unknown. Observed: 1 variant allele. Study: ClinSeq.
Comment: The study set was not selected for affection status in relation to any cancer. Pathogenicity categories were based on literature curation. See Pubmed ID:23861362 for details.

Medical sequencing